The following is an entry in ClinVar:

ClinVar aggregate classification (germline): Conflicting classifications of pathogenicity. Review status: criteria provided, conflicting classifications (1 of 4 stars). 9 submissions from 9 submitters: Uncertain significance (5); Likely benign (2). 2 of the submissions do not count toward it. Last evaluated 2025-11-24.

Conditions:
Hereditary cancer-predisposing syndrome. Also called: Hereditary Cancer Syndrome; Hereditary neoplastic syndrome; Neoplastic Syndromes, Hereditary; Tumor predisposition. Identifiers: Orphanet 140162, MedGen C0027672, MeSH D009386, MONDO:0015356.
Hereditary breast ovarian cancer syndrome. Also called: BRCA1- and BRCA2-Associated Hereditary Breast and Ovarian Cancer; Hereditary breast and ovarian cancer syndrome; Hereditary breast and ovarian cancer syndrome (HBOC); Breast and ovarian cancer; Hereditary breast and/or ovarian cancer syndrome; Hereditary breast and ovarian cancer. Identifiers: Orphanet 145, MedGen C0677776, MeSH D061325, MONDO:0003582. Disease mechanism: loss of function.
Breast-ovarian cancer, familial, susceptibility to, 1 (BROVCA1). Also called: BRCA1 Hereditary Breast and Ovarian Cancer; OVARIAN CANCER, SUSCEPTIBILITY TO. Identifiers: Orphanet 145, MedGen C2676676, MONDO:0011450, OMIM 604370. Disease mechanism: loss of function.

Allele frequency attached by ClinVar (database versions not stated): gnomAD 0.00003 and 0.00004; gnomAD exomes below 0.00001; ExAC 0.00001; ESP Exome Variant Server 0.00008; TOPMed 0.00002.

Submissions (9):

Labcorp Genetics (formerly Invitae), Labcorp
Classification: Uncertain significance for Hereditary breast ovarian cancer syndrome. Last evaluated: 2025-11-24. Review status: criteria provided, single submitter. Criteria: Invitae Variant Classification Sherloc (09022015). Collection method: clinical testing. Allele origin: germline.
Comment: This sequence change replaces glutamine, which is neutral and polar, with proline, which is neutral and non-polar, at codon 1281 of the BRCA1 protein (p.Gln1281Pro). This variant is present in population databases (rs80357483, gnomAD 0.004%). This missense change has been observed in individual(s) with low grade glioma (PMID: 26689913). ClinVar contains an entry for this variant (Variation ID: 55025). Invitae Evidence Modeling of protein sequence and biophysical properties (such as structural, functional, and spatial information, amino acid conservation, physicochemical variation, residue mobility, and thermodynamic stability) indicates that this missense variant is not expected to disrupt BRCA1 protein function with a negative predictive value of 80%. Experimental studies have shown that this missense change does not substantially affect BRCA1 function (PMID: 26689913). In summary, the available evidence is currently insufficient to determine the role of this variant in disease. Therefore, it has been classified as a Variant of Uncertain Significance.

Women's Health and Genetics/Laboratory Corporation of America, LabCorp
Classification: Uncertain significance. Last evaluated: 2025-03-31. Review status: criteria provided, single submitter. Criteria: LabCorp Variant Classification Summary - May 2015. Collection method: clinical testing. Allele origin: germline.
Comment: Variant summary: BRCA1 c.3842A>C (p.Gln1281Pro) results in a non-conservative amino acid change in the encoded protein sequence. Three of four in-silico tools predict a benign effect of the variant on protein function. The variant allele was found at a frequency of 4e-06 in 251134 control chromosomes. The available data on variant occurrences in the general population are insufficient to allow any conclusion about variant significance. c.3842A>C has been reported in the literature in individuals affected with Hereditary Breast And Ovarian Cancer Syndrome. These report(s) do not provide unequivocal conclusions about association of the variant with Hereditary Breast And Ovarian Cancer Syndrome. At least one publication reports experimental evidence evaluating an impact on protein function. These results showed no damaging effect of this variant (Lu_2015). The following publications have been ascertained in the context of this evaluation (PMID: 29625052, 16267036, 26689913, 23704879, 36451132). ClinVar contains an entry for this variant (Variation ID: 55025). Based on the evidence outlined above, the variant was classified as uncertain significance.

Color Diagnostics, LLC DBA Color Health
Classification: Uncertain significance for Hereditary cancer-predisposing syndrome. Last evaluated: 2024-02-20. Review status: criteria provided, single submitter. Criteria: ACMG Guidelines, 2015. Collection method: clinical testing. Allele origin: germline.
Comment: This missense variant replaces glutamine with proline at codon 1281 of the BRCA1 protein. Computational prediction is inconclusive regarding the impact of this variant on protein structure and function. To our knowledge, functional studies have not been reported for this variant. This missense variant is located near the binding site for the ATR kinase (PMID: 11114888) and a phosphorylation site at p.Ser1280 (PMID: 23704879). This variant has been reported in an individual affected with low-grade glioma (PMID: 26689913). A multifactorial analysis has reported likelihood ratios for pathogenicity based on co-occurrence with a pathogenic covariant and family history of 1.0673 and 3.7846, respectively (PMID: 31131967). This variant has been identified in 2/282548 chromosomes in the general population by the Genome Aggregation Database (gnomAD). The available evidence is insufficient to determine the role of this variant in disease conclusively. Therefore, this variant is classified as a Variant of Uncertain Significance.

All of Us Research Program, National Institutes of Health
Classification: Uncertain significance for Breast-ovarian cancer, familial, susceptibility to, 1. Last evaluated: 2023-11-28. Review status: criteria provided, single submitter. Criteria: ACMG Guidelines, 2015. Collection method: clinical testing. Allele origin: germline. Inheritance: Autosomal dominant inheritance. Observed: 1 variant allele, 1 heterozygote.
Comment: This study involves interpretation of variants in research participants for the purpose of population health screening. Participant phenotype was not available at the time of variant classification. Additional details can be found in publication PMID: 35346344, PMCID: PMC8962531

University of Washington Department of Laboratory Medicine, University of Washington
Classification: Likely benign for Hereditary cancer-predisposing syndrome. Last evaluated: 2023-03-23. Review status: criteria provided, single submitter. Criteria: Dines et al. (Genet Med. 2020). Collection method: curation. Allele origin: germline.
Comment: Missense variant in a coldspot region where missense variants are very unlikely to be pathogenic (PMID:31911673).

BRCA1 coldspot (exon 11 using historical exon numbering). Reclassification based on statistical prior probability

Ambry Genetics
Classification: Likely benign for Hereditary cancer-predisposing syndrome. Last evaluated: 2022-04-18. Review status: criteria provided, single submitter. Criteria: Ambry Variant Classification Scheme 2023. Collection method: clinical testing. Allele origin: germline.

GeneDx
Classification: Uncertain significance. Last evaluated: 2015-09-17. Review status: criteria provided, single submitter. Criteria: GeneDx Variant Classification (06012015). Collection method: clinical testing. Allele origin: germline. Affected: yes.
Comment: This variant is denoted BRCA1 c.3842A>C at the cDNA level, p.Gln1281Pro (Q1281P) at the protein level, and results in the change of a Glutamine to a Proline (CAG>CCG). Using alternate nomenclature, this variant has been previously published as BRCA1 3961A>C. This variant has been reported in at least one individual undergoing BRCA1/2 analysis at a commercial laboratory and was predicted to abolish the kinase binding motif resulting in the loss of the phosphorylation site at Ser1280 (Judkins 2005, Tram 2013). BRCA1 Gln1281Pro was not observed at a significant allele frequency in the NHLBI Exome Sequencing Project. Since Glutamine and Proline differ in polarity, charge, size or other properties, this is considered a non-conservative amino acid substitution. BRCA1 Gln1281Pro occurs at a position that is not conserved and is located in the SCD domain and a region known to interact with multiple other proteins (Narod 2004, Paul 2014). In silico analyses are inconsistent regarding the effect this variant may have on protein structure and function. Based on currently available information, it is unclear whether BRCA1 Gln1281Pro is pathogenic or benign. We consider it to be a variant of uncertain significance.

Counsyl
Classification: Uncertain significance for Breast-ovarian cancer, familial, susceptibility to, 1. Last evaluated: 2016-07-21. Review status: no assertion criteria provided. Collection method: clinical testing. Allele origin: unknown. Not counted in ClinVar's aggregate classification.

Breast Cancer Information Core (BIC) (BRCA1)
Classification: Uncertain significance for Breast-ovarian cancer, familial 1. Last evaluated: 2004-02-20. Review status: no assertion criteria provided. Collection method: clinical testing. Allele origin: germline. Affected: yes. Observed: 2 variant alleles. Not counted in ClinVar's aggregate classification.

Literature cited by the submitters: PubMed 26689913 (cited by 5 submitters); PubMed 16267036 (cited by Women's Health and Genetics/Laboratory Corporation of America, LabCorp and Counsyl); PubMed 23704879 (cited by 4 submitters); PubMed 29625052 (cited by Women's Health and Genetics/Laboratory Corporation of America, LabCorp); PubMed 36451132 (cited by Women's Health and Genetics/Laboratory Corporation of America, LabCorp); PubMed 11114888 (cited by Color Diagnostics, LLC DBA Color Health); PubMed 31131967 (cited by Color Diagnostics, LLC DBA Color Health); PubMed 17531442 (cited by Ambry Genetics); PubMed 24393486 (cited by Counsyl); PubMed 25722345 (cited by Counsyl); PubMed 15385441 (cited by Counsyl).

NM_007294.4(BRCA1):c.3842A>C (p.Gln1281Pro)

Genes: BRCA1 (BRCA1 DNA repair associated; minus strand), LOC126862571 (BRD4-independent group 4 enhancer GRCh37_chr17:41243136-41244335; plus strand). Cytogenetic location: 17q21.31.
Variant type: single nucleotide variant.
Coding change: c.3842A>C on transcript NM_007294.4 (MANE Select); coding-DNA position 3842, A replaced by C.
Protein change: p.Gln1281Pro; replaces glutamine 1281 with proline.
Molecular consequence: missense variant. On other transcripts: intron variant (135).
Genome position (GRCh38, 1-based): chr17:43,091,689, T>G on the plus strand (A>C on the coding strand, the complement: BRCA1 is on the minus strand). VCF-style: chr17-43091689-T-G. GRCh37 (hg19) VCF-style: chr17-41243706-T-G.
Other names: c.3701A>C, p.Gln1234Pro (NM_007297.4, NM_001407692.1, NM_001407694.1 and 29 more transcripts); c.3842A>C, p.Gln1281Pro (NM_007300.4, NM_001407581.1, NM_001407582.1 and 30 more transcripts); c.647-657A>C (NM_001408458.1, NM_001408469.1, NM_001408453.1 and 11 more transcripts); c.284-657A>C (NM_001408512.1); c.407-657A>C (NM_001408510.1); c.644-657A>C (NM_001408470.1, NM_001408464.1, NM_001408468.1 and 3 more transcripts); c.785-657A>C (NM_001408397.1, NM_001408401.1, NM_001408396.1 and 13 more transcripts); c.665-657A>C (NM_001408436.1, NM_001408444.1, NM_001408438.1 and 12 more transcripts); and 41 more; short protein forms Q1281P, Q1234P, Q1169P, Q1170P, Q1192P, Q1211P, Q1240P, Q985P.
Identifiers: ClinVar variation 55025 (VCV000055025.22), dbSNP rs80357483, ClinGen allele CA002476.